The following is an entry in ClinVar:

NM_000222.3(KIT):c.2553C>T (p.Asp851=)

Gene: KIT (KIT proto-oncogene, receptor tyrosine kinase; plus strand). Cytogenetic location: 4q12.
Variant type: single nucleotide variant.
Coding change: c.2553C>T on transcript NM_000222.3 (MANE Select); coding-DNA position 2553, C replaced by T.
Protein change: p.Asp851=; no amino-acid change (aspartic acid 851 retained).
Molecular consequence: synonymous variant.
Genome position (GRCh38, 1-based): chr4:54,736,566, C>T. VCF-style: chr4-54736566-C-T. GRCh37 (hg19) VCF-style: chr4-55602732-C-T.
Other names: c.2541C>T, p.Asp847= (NM_001093772.2, NM_001385292.1); c.2556C>T, p.Asp852= (NM_001385284.1); c.2550C>T, p.Asp850= (NM_001385285.1); c.2538C>T, p.Asp846= (NM_001385286.1); c.2544C>T, p.Asp848= (NM_001385288.1); c.2553C>T, p.Asp851= (NM_001385290.1).
Identifiers: ClinVar variation 415792 (VCV000415792.17), dbSNP rs751396522, ClinGen allele CA2923791.

ClinVar aggregate classification (germline): Benign/Likely benign. Review status: criteria provided, multiple submitters, no conflicts (2 of 4 stars). 4 submissions from 4 submitters: Benign (1); Likely benign (3). Last evaluated 2026-06-05.

Conditions:
KIT-related disorder. Also called: KIT-related condition.
Hereditary cancer-predisposing syndrome. Also called: Hereditary Cancer Syndrome; Tumor predisposition; Hereditary neoplastic syndrome; Neoplastic Syndromes, Hereditary. Identifiers: Orphanet 140162, MedGen C0027672, MeSH D009386, MONDO:0015356.
Gastrointestinal stromal tumor. Also called: Gastrointestinal stroma tumor; Gastrointestinal stromal tumor, somatic. Identifiers: Orphanet 44890, MedGen C0238198, MeSH D046152, MONDO:0011719, OMIM 606764, HP:0100723.

Allele frequency attached by ClinVar (database versions not stated): ExAC 0.00001; gnomAD 0.00001 and 0.00002; TOPMed 0.00002; gnomAD exomes 0.00005.
gnomAD v4.1: 82 of 1,614,058 alleles (0.0051%); highest among the groups gnomAD compares: Admixed American, 0.01%; no homozygotes.

Submissions (4):

Myriad Genetics, Inc.
Classification: Benign for Gastrointestinal stromal tumor. Last evaluated: 2026-06-05. Review status: criteria provided, single submitter. Criteria: Myriad Autosomal Dominant, Autosomal Recessive and X-Linked Classification Criteria (2023). Collection method: clinical testing. Allele origin: unknown.
Comment: This variant is considered benign. This variant is a silent/synonymous amino acid change and it is not expected to impact splicing.

Labcorp Genetics (formerly Invitae), Labcorp
Classification: Likely benign for Gastrointestinal stromal tumor. Last evaluated: 2025-12-15. Review status: criteria provided, single submitter. Criteria: Invitae Variant Classification Sherloc (09022015). Collection method: clinical testing. Allele origin: germline.

PreventionGenetics, part of Exact Sciences
Classification: Likely benign for KIT-related condition. Last evaluated: 2025-02-26. Review status: criteria provided, single submitter. Criteria: ACMG Guidelines, 2015. Collection method: clinical testing. Allele origin: germline.
Comment: This variant is classified as likely benign based on ACMG/AMP sequence variant interpretation guidelines (Richards et al. 2015 PMID: 25741868, with internal and published modifications).

Ambry Genetics
Classification: Likely benign for Hereditary cancer-predisposing syndrome. Last evaluated: 2019-01-03. Review status: criteria provided, single submitter. Criteria: Ambry Variant Classification Scheme 2023. Collection method: clinical testing. Allele origin: germline.